The following is an entry in ClinVar:

NM_001273.5(CHD4):c.1691A>G (p.Glu564Gly)

Gene: CHD4 (chromodomain helicase DNA binding protein 4; minus strand). Cytogenetic location: 12p13.31.
Variant type: single nucleotide variant.
Coding change: c.1691A>G on transcript NM_001273.5 (MANE Select); coding-DNA position 1691, A replaced by G.
Protein change: p.Glu564Gly; replaces glutamic acid 564 with glycine.
Molecular consequence: missense variant.
Genome position (GRCh38, 1-based): chr12:6,598,095, T>C on the plus strand (A>G on the coding strand, the complement: CHD4 is on the minus strand). VCF-style: chr12-6598095-T-C. GRCh37 (hg19) VCF-style: chr12-6707261-T-C.
Other names: c.1670A>G, p.Glu557Gly (NM_001297553.2); c.1652A>G, p.Glu551Gly (NM_001363606.2); short protein forms E551G, E557G, E564G.
Identifiers: ClinVar variation 4882826 (VCV004882826.2).

ClinVar aggregate classification (germline): Uncertain significance (1 of 4 stars; one submission).

Conditions:
Syndromic intellectual disability. Also called: Intellectual disability syndrome. Identifiers: Orphanet 183763, MedGen C5680525, MONDO:0000508.

Submission:

Dasa
Classification: Uncertain significance for Syndromic intellectual disability. Last evaluated: 2026-03-05. Review status: criteria provided, single submitter. Criteria: DASA Assertion Criteria. Collection method: clinical testing. Allele origin: germline.
Comment: NM_001273.5(CHD4):c.1691A>G (p.Glu564Gly) is a missense variant that results in the substitution of glutamic acid with glycine. This variant is absent from population databases. Computational prediction algorithms are consistent with a deleterious effect. The currently available literature and clinical evidence are not sufficient to establish a definitive association between this variant and the reported condition. Therefore, this variant is classified as a variant of uncertain significance.